The following is an entry in ClinVar:

NM_001199138.2(NLRC4):c.1940G>A (p.Arg647Lys)

Gene: NLRC4 (NLR family CARD domain containing 4; minus strand). Cytogenetic location: 2p22.3.
Variant type: single nucleotide variant.
Coding change: c.1940G>A on transcript NM_001199138.2 (MANE Select); coding-DNA position 1940, G replaced by A.
Protein change: p.Arg647Lys; replaces arginine 647 with lysine.
Molecular consequence: missense variant. On other transcripts: intron variant (1).
Genome position (GRCh38, 1-based): chr2:32,249,924, C>T on the plus strand (G>A on the coding strand, the complement: NLRC4 is on the minus strand). VCF-style: chr2-32249924-C-T. GRCh37 (hg19) VCF-style: chr2-32474993-C-T.
Other names: c.1940G>A, p.Arg647Lys (NM_001199139.2, NM_021209.5); c.262+2495G>A (NM_001302504.1); short protein forms R647K.
Identifiers: ClinVar variation 964922 (VCV000964922.10), dbSNP rs1056856319, ClinGen allele CA1601897.

ClinVar aggregate classification (germline): Uncertain significance. Review status: criteria provided, multiple submitters, no conflicts (2 of 4 stars). 3 submissions from 3 submitters: Uncertain significance (3). Last evaluated 2025-12-03.

Conditions:
NLRC4-related disorder. Also called: NLRC4-related condition.
Periodic fever-infantile enterocolitis-autoinflammatory syndrome. Also called: Autoinflammation with infantile enterocolitis. Identifiers: Orphanet 436166, MedGen C4015067, MONDO:0014472, OMIM 616050.
Familial cold autoinflammatory syndrome 4 (FCAS4). Identifiers: Orphanet 47045, Orphanet 576349, MedGen C4015276, MONDO:0014498, OMIM 616115.

Allele frequency attached by ClinVar (database versions not stated): gnomAD 0.00002; gnomAD exomes 0.00003 and 0.00002; TOPMed 0.00003; ExAC 0.00002.
gnomAD v4.1: 34 of 1,614,096 alleles (0.0021%); highest among the groups gnomAD compares: Admixed American, 0.048%; no homozygotes.

Submissions (3):

PreventionGenetics, part of Exact Sciences
Classification: Uncertain significance for NLRC4-related condition. Last evaluated: 2025-12-03. Review status: criteria provided, single submitter. Criteria: ACMG Guidelines, 2015. Collection method: clinical testing. Allele origin: germline.
Comment: The NLRC4 c.1940G>A variant is predicted to result in the amino acid substitution p.Arg647Lys. To our knowledge, this variant has not been reported in the literature. This variant is reported in 0.023% of alleles in individuals of Latino descent in gnomAD, which may be too frequent to be a primary cause of disease. Although we suspect that this variant may be benign, at this time, the clinical significance of this variant is uncertain due to the absence of conclusive functional and genetic evidence.

Labcorp Genetics (formerly Invitae), Labcorp
Classification: Uncertain significance for Periodic fever-infantile enterocolitis-autoinflammatory syndrome; Familial cold autoinflammatory syndrome 4. Last evaluated: 2025-09-09. Review status: criteria provided, single submitter. Criteria: Invitae Variant Classification Sherloc (09022015). Collection method: clinical testing. Allele origin: germline.
Comment: This sequence change replaces arginine, which is basic and polar, with lysine, which is basic and polar, at codon 647 of the NLRC4 protein (p.Arg647Lys). This variant is present in population databases (no rsID available, gnomAD 0.02%). This variant has not been reported in the literature in individuals affected with NLRC4-related conditions. ClinVar contains an entry for this variant (Variation ID: 964922). An algorithm developed to predict the effect of missense changes on protein structure and function (PolyPhen-2) suggests that this variant is likely to be tolerated. In summary, the available evidence is currently insufficient to determine the role of this variant in disease. Therefore, it has been classified as a Variant of Uncertain Significance.

AiLife Diagnostics
Classification: Uncertain significance. Last evaluated: 2020-07-09. Review status: criteria provided, single submitter. Criteria: ACMG Guidelines, 2015. Collection method: clinical testing. Allele origin: germline. Affected: yes. Observed: 1 variant allele.